The following is an entry in ClinVar:

ClinVar aggregate classification (germline): Pathogenic. Review status: criteria provided, multiple submitters, no conflicts (2 of 4 stars). 3 submissions from 3 submitters: Pathogenic (3). Last evaluated 2023-02-20.

Conditions:
Spastic paraplegia. Identifiers: MedGen C0037772, HP:0001258.
Charlevoix-Saguenay spastic ataxia (SACS). Also called: SPASTIC ATAXIA 6, AUTOSOMAL RECESSIVE; AUTOSOMAL RECESSIVE SPASTIC ATAXIA OF CHARLEVOIX-SAGUENAY; Spastic ataxia of Charlevoix-Saguenay. Identifiers: Orphanet 98, MedGen C1849140, MONDO:0010041, OMIM 270550.

Submissions (3):

Baylor Genetics
Classification: Pathogenic for Charlevoix-Saguenay spastic ataxia. Last evaluated: 2023-02-20. Review status: criteria provided, single submitter. Criteria: ACMG Guidelines, 2015. Collection method: clinical testing. Allele origin: unknown.

Labcorp Genetics (formerly Invitae), Labcorp
Classification: Pathogenic for Spastic paraplegia. Last evaluated: 2023-02-01. Review status: criteria provided, single submitter. Criteria: Invitae Variant Classification Sherloc (09022015). Collection method: clinical testing. Allele origin: germline.
Comment: For these reasons, this variant has been classified as Pathogenic. This variant disrupts a region of the SACS protein in which other variant(s) (p.Asn4549Asp) have been determined to be pathogenic (PMID: 15156359, 21507954). This suggests that this is a clinically significant region of the protein, and that variants that disrupt it are likely to be disease-causing. ClinVar contains an entry for this variant (Variation ID: 1331499). This variant is also known as V15283fsX1540 or p.K2279fs11*. This premature translational stop signal has been observed in individual(s) with hereditary spastic paraplegia (PMID: 14718707, 24164681). In at least one individual the data is consistent with being in trans (on the opposite chromosome) from a pathogenic variant. This variant is not present in population databases (gnomAD no frequency). This sequence change creates a premature translational stop signal (p.Glu2280Argfs*12) in the SACS gene. While this is not anticipated to result in nonsense mediated decay, it is expected to disrupt the last 2300 amino acid(s) of the SACS protein.

Women's Health and Genetics/Laboratory Corporation of America, LabCorp
Classification: Pathogenic for Charlevoix-Saguenay spastic ataxia. Last evaluated: 2021-12-29. Review status: criteria provided, single submitter. Criteria: LabCorp Variant Classification Summary - May 2015. Collection method: clinical testing. Allele origin: germline.
Comment: Variant summary: SACS c.6837dupA (p.Glu2280ArgfsX12) results in a premature termination codon, predicted to cause a truncation of the encoded protein or absence of the protein due to nonsense mediated decay, which are commonly known mechanisms for disease. Truncations downstream of this position have been classified as pathogenic by our laboratory. The variant was absent in 250708 control chromosomes. c.6837dupA has been reported in the literature in an individual affected with Autosomal Recessive Spastic Ataxia Of Charlevoix-Saguenay (Grieco_2004). To our knowledge, no experimental evidence demonstrating an impact on protein function has been reported. No clinical diagnostic laboratories have submitted clinical-significance assessments for this variant to ClinVar after 2014. Based on the evidence outlined above, the variant was classified as pathogenic.

Literature cited by the submitters: PubMed 15156359 (cited by Labcorp Genetics (formerly Invitae), Labcorp); PubMed 21507954 (cited by Labcorp Genetics (formerly Invitae), Labcorp); PubMed 14718707 (cited by Labcorp Genetics (formerly Invitae), Labcorp and Women's Health and Genetics/Laboratory Corporation of America, LabCorp); PubMed 24164681 (cited by Labcorp Genetics (formerly Invitae), Labcorp).

NM_014363.6(SACS):c.6837dup (p.Glu2280fs)

Gene: SACS (sacsin molecular chaperone; minus strand). Cytogenetic location: 13q12.12.
Variant type: Duplication.
Coding change: c.6837dup on transcript NM_014363.6 (MANE Select); coding-DNA position 6837, one base duplicated (A; older notation c.6837dupA).
Protein change: p.Glu2280fs; shifts the reading frame from glutamic acid 2280.
Molecular consequence: frameshift variant.
Genome position (GRCh38, 1-based): chr13:23,337,039, T duplicated on the plus strand (A on the coding strand, the reverse complement: SACS is on the minus strand); the first of 3 consecutive T bases (chr13:23,337,039-23,337,041); duplicating any one gives the same sequence. VCF-style (leftmost placement, unchanged base first): chr13-23337038-C-CT. GRCh37 (hg19) VCF-style: chr13-23911177-C-CT.
Other names: c.6396dup, p.Glu2133fs (NM_001278055.2); short protein forms E2133fs, E2280fs.
Identifiers: ClinVar variation 1331499 (VCV001331499.5), dbSNP rs748765057, ClinGen allele CA246657676.